The following is an entry in ClinVar:

NM_006269.2(RP1):c.5239C>A (p.Leu1747Ile)

Genes: RP1 (RP1 axonemal microtubule associated; plus strand), LOC126860392 (CDK7 strongly-dependent group 2 enhancer GRCh37_chr8:55541319-55542518; plus strand). Cytogenetic location: 8q12.1.
Variant type: single nucleotide variant.
Coding change: c.5239C>A on transcript NM_006269.2 (MANE Select); coding-DNA position 5239, C replaced by A.
Protein change: p.Leu1747Ile; replaces leucine 1747 with isoleucine.
Molecular consequence: missense variant. On other transcripts: intron variant (1).
Genome position (GRCh38, 1-based): chr8:54,629,121, C>A. VCF-style: chr8-54629121-C-A. GRCh37 (hg19) VCF-style: chr8-55541681-C-A.
Other names: c.787+6833C>A (NM_001375654.1); short protein forms L1747I.
Identifiers: ClinVar variation 1390127 (VCV001390127.6), dbSNP rs2129318084, ClinGen allele CA370985227.
Genomic context (GRCh38, chr8:54,629,121, plus strand): 5'-GATGATAGCAGAATCCTCACAGACATAGAGGAAGGAGTACTGATTGACAAAGGCAAATGG[C>A]TTCTGAAAGAAAATCATTTGCTAAGGATGTCATCTGAAAATCCTGGCATGTGTGGCAATG-3'
Protein context (NP_006260.1, residues 1737-1757): EGVLIDKGKW[Leu1747Ile]LKENHLLRMS

ClinVar aggregate classification (germline): Uncertain significance (1 of 4 stars; one submission).

Submission:

Labcorp Genetics (formerly Invitae), Labcorp
Classification: Uncertain significance. Last evaluated: 2021-10-29. Review status: criteria provided, single submitter. Criteria: Invitae Variant Classification Sherloc (09022015). Collection method: clinical testing. Allele origin: germline.
Comment: In summary, the available evidence is currently insufficient to determine the role of this variant in disease. Therefore, it has been classified as a Variant of Uncertain Significance. Algorithms developed to predict the effect of missense changes on protein structure and function are either unavailable or do not agree on the potential impact of this missense change (SIFT: "Deleterious"; PolyPhen-2: "Possibly Damaging"; Align-GVGD: "Class C0"). This variant has not been reported in the literature in individuals affected with RP1-related conditions. This variant is not present in population databases (gnomAD no frequency). This sequence change replaces leucine, which is neutral and non-polar, with isoleucine, which is neutral and non-polar, at codon 1747 of the RP1 protein (p.Leu1747Ile).